The following is an entry in ClinVar:

ClinVar aggregate classification (germline): Likely benign (1 of 4 stars; one submission).

Allele frequency attached by ClinVar (database versions not stated): TOPMed below 0.00001 and 0.00001.

Submission:

GeneDx
Classification: Likely benign. Last evaluated: 2017-09-25. Review status: criteria provided, single submitter. Criteria: GeneDx Variant Classification (06012015). Collection method: clinical testing. Allele origin: germline. Affected: yes.
Comment: This variant is considered likely benign or benign based on one or more of the following criteria: it is a conservative change, it occurs at a poorly conserved position in the protein, it is predicted to be benign by multiple in silico algorithms, and/or has population frequency not consistent with disease.

NM_018699.4(PRDM5):c.1282+12T>C

Gene: PRDM5 (PR/SET domain 5; minus strand). Cytogenetic location: 4q27.
Variant type: single nucleotide variant.
Coding change: c.1282+12T>C on transcript NM_018699.4 (MANE Select); 12 bases into the intron after coding-DNA position 1282, T replaced by C.
Molecular consequence: intron variant.
Genome position (GRCh38, 1-based): chr4:120,784,986, A>G on the plus strand (T>C on the coding strand, the complement: PRDM5 is on the minus strand). VCF-style: chr4-120784986-A-G. GRCh37 (hg19) VCF-style: chr4-121706141-A-G.
Other names: c.1189+12T>C (NM_001300824.2, NM_001379106.1, NM_001300823.2); c.1315+12T>C (NM_001379104.1).
Identifiers: ClinVar variation 512338 (VCV000512338.1), dbSNP rs908831002, ClinGen allele CA105118013.
Genomic context (GRCh38, chr4:120,784,986, plus strand): 5'-CATTCTCAAAGGTTATAAAAACAAAGTATGAGATAATTCCTTATATTCTCAACTGCCTGA[A>G]TCGTGACTTACTGTTATGTATTAGCAGGTGTCTCTGTAAAGAAAATGGGGTCCGGAACAA-3'